The following is an entry in ClinVar:

ClinVar aggregate classification (germline): Uncertain significance (1 of 4 stars; one submission).

gnomAD v4.1: 1 of 1,598,666 alleles (0.000063%); highest among the groups gnomAD compares: Non-Finnish European, 0.000085%; no homozygotes.

Submission:

Labcorp Genetics (formerly Invitae), Labcorp
Classification: Uncertain significance. Last evaluated: 2024-10-21. Review status: criteria provided, single submitter. Criteria: Invitae Variant Classification Sherloc (09022015). Collection method: clinical testing. Allele origin: germline.
Comment: This sequence change replaces aspartic acid, which is acidic and polar, with glycine, which is neutral and non-polar, at codon 52 of the RELB protein (p.Asp52Gly). This variant is not present in population databases (gnomAD no frequency). This variant has not been reported in the literature in individuals affected with RELB-related conditions. An algorithm developed to predict the effect of missense changes on protein structure and function (PolyPhen-2) suggests that this variant is likely to be tolerated. In summary, the available evidence is currently insufficient to determine the role of this variant in disease. Therefore, it has been classified as a Variant of Uncertain Significance.

NM_006509.4(RELB):c.155A>G (p.Asp52Gly)

Gene: RELB (RELB proto-oncogene, NF-kB subunit; plus strand). Cytogenetic location: 19q13.32.
Variant type: single nucleotide variant.
Coding change: c.155A>G on transcript NM_006509.4 (MANE Select); coding-DNA position 155, A replaced by G.
Protein change: p.Asp52Gly; replaces aspartic acid 52 with glycine.
Molecular consequence: missense variant. On other transcripts: intron variant (1).
Genome position (GRCh38, 1-based): chr19:45,009,814, A>G. VCF-style: chr19-45009814-A-G. GRCh37 (hg19) VCF-style: chr19-45513072-A-G.
Other names: c.155-2122A>G (NM_001411087.1); short protein forms D52G.
Identifiers: ClinVar variation 3657891 (VCV003657891.2).